The following is an entry in ClinVar:

NM_144596.4(TTC8):c.1048A>G (p.Arg350Gly)

Gene: TTC8 (tetratricopeptide repeat domain 8; plus strand). Cytogenetic location: 14q31.3.
Variant type: single nucleotide variant.
Coding change: c.1048A>G on transcript NM_144596.4 (MANE Select); coding-DNA position 1048, A replaced by G.
Protein change: p.Arg350Gly; replaces arginine 350 with glycine.
Molecular consequence: missense variant. On other transcripts: non-coding transcript variant (1).
Genome position (GRCh38, 1-based): chr14:88,870,197, A>G. VCF-style: chr14-88870197-A-G. GRCh37 (hg19) VCF-style: chr14-89336541-A-G.
Other names: c.1096A>G, p.Arg366Gly (NM_001288781.1); c.454A>G, p.Arg152Gly (NM_001288782.1); c.331A>G, p.Arg111Gly (NM_001288783.1); c.1018A>G, p.Arg340Gly (NM_001366535.2, NM_198309.3); c.928A>G, p.Arg310Gly (NM_001366536.2, NM_198310.3); short protein forms R111G, R366G, R310G, R152G, R340G, R350G.
Identifiers: ClinVar variation 4999568 (VCV004999568.1).

ClinVar aggregate classification (germline): Uncertain significance (1 of 4 stars; one submission).

Conditions:
TTC8-related disorder. Also called: TTC8-related condition.

Submission:

PreventionGenetics, part of Exact Sciences
Classification: Uncertain significance for TTC8-related condition. Last evaluated: 2025-07-17. Review status: criteria provided, single submitter. Criteria: ACMG Guidelines, 2015. Collection method: clinical testing. Allele origin: germline.
Comment: The TTC8 c.1048A>G variant is predicted to result in the amino acid substitution p.Arg350Gly. This variant falls within the last codon of exon 12 and is predicted to impact splicing based on a splicing prediction program (SpliceAI, Jaganathan K, et al. 2019. PubMed ID: 30661751). To our knowledge, this variant has not been reported in the literature or in a large population database (gnomAD), indicating this variant is rare. At this time, the clinical significance of this variant is uncertain due to the absence of conclusive functional and genetic evidence.